The following is an entry in ClinVar:

NM_000552.5(VWF):c.4825G>A (p.Gly1609Arg)

Gene: VWF (von Willebrand factor; minus strand). Cytogenetic location: 12p13.31.
Variant type: single nucleotide variant.
Coding change: c.4825G>A on transcript NM_000552.5 (MANE Select); coding-DNA position 4825, G replaced by A.
Protein change: p.Gly1609Arg; replaces glycine 1609 with arginine.
Molecular consequence: missense variant.
Genome position (GRCh38, 1-based): chr12:6,018,593, C>T on the plus strand (G>A on the coding strand, the complement: VWF is on the minus strand). VCF-style: chr12-6018593-C-T. GRCh37 (hg19) VCF-style: chr12-6127759-C-T.
Other names: NM_000552.5(VWF):c.4825G>A; c.4825G>A (NM_000552.4); short protein forms G1609R.
Identifiers: ClinVar variation 100395 (VCV000100395.13), dbSNP rs61750580, ClinGen allele CA228665.
Genomic context (GRCh38, chr12:6,018,593, plus strand): 5'-CAATGGGCACCACCTGGATGTCTCCAGGCAGCCTCTTGATCTCATCAGAGGCAGGATTTC[C>T]GGTGACCATGTAGACCAGGTTGGGCGCCTGCTCCCGGTCACCCTGGCTGACCAAGAAGCT-3'
Protein context (NP_000543.3, residues 1599-1619): QAPNLVYMVT[Gly1609Arg]NPASDEIKRL

ClinVar aggregate classification (germline): Pathogenic. Review status: reviewed by expert panel (3 of 4 stars). 8 submissions from 8 submitters: Pathogenic (1). 7 of the submissions do not count toward it. Last evaluated 2025-10-07.

Conditions:
Von Willebrand disease type 2A. Identifiers: Orphanet 166084, MedGen C1282968, MONDO:0015628. Inheritance: Autosomal recessive or autosomal dominant.
von Willebrand disease type 2 (VWD2). Also called: VON WILLEBRAND DISEASE, TYPE II; VWD, TYPE 2; VON WILLEBRAND DISEASE, TYPE 2A/IIE; VON WILLEBRAND DISEASE, TYPE 2CB. Identifiers: Orphanet 166081, Orphanet 903, MedGen C1264040, MONDO:0013304, OMIM 613554.
Hereditary von Willebrand disease. Identifiers: Orphanet 903, MedGen C5703318, MONDO:0019565. Inheritance: Autosomal recessive or Autosomal dominant.

Allele frequency attached by ClinVar (database versions not stated): gnomAD exomes below 0.00001; TOPMed below 0.00001.
gnomAD v4.1: 5 of 1,614,130 alleles (0.00031%); highest among the groups gnomAD compares: African/African-American, 0.0013%; no homozygotes.

Submissions (8):

ClinGen von Willebrand Disease Variant Curation Expert Panel, ClinGen
Classification: Pathogenic for Von Willebrand disease type 2A. Last evaluated: 2025-10-07. Review status: reviewed by expert panel. Criteria: ClinGen VWD 2A B M Rules. Collection method: curation. Allele origin: germline. Inheritance: Autosomal dominant inheritance.
Comment: The NM_000552.5:c.4825G>A variant in VWF is a missense variant predicted to cause substitution of glycine by arginine at amino acid 1609. At least 1 patient with this variant displayed excessive mucocutaneous bleeding as well as laboratory phenotypes of very low VWF activity measured by VWF:RCo, low activity/VWF:Ag ratio, and loss of high molecular weight multimers, which together are highly specific for VWD type 2A. (PP4_moderate, PMID 31240882). Additional consistent phenotypes were also reported in the patient including a normal platelet count, FVIII activity consistent with VWF antigen (ratio >0.7), and normal RIPA assay. This variant has been reported in 8 additional probands meeting PP4 laboratory phenotype criteria for VWD type 2A (PS4_VeryStrong; PMIDs 28971901, 8348943, 22371917, 35505650 and Versiti Blood Center of Wisconsin private communication). The variant has been reported to segregate with VWD type 2A through ≥2 affected meioses from 2 families (PP1; PMID 22371917 and Versiti Blood Center Wisconsin private communication). The Grpmax filtering allele frequency in gnomAD v4.1 is 0.00000068 (based on 3/1180024 alleles in the European non-Finnish population), which is lower than the ClinGen VWD VCEP threshold of <0.0001 for type 2A (PM2_Supporting). ADAMTS susceptibility assay performed with the p.Gly1609Arg recombinant mutant vWF expressed by 293 EBNA cells showed increased susceptibility indicating that this variant has a damaging effect on protein function (PMID 16322474)(PS3_supporting). In summary, this variant meets the criteria to be classified as pathogenic for autosomal dominant von Willebrand disease type 2A based on the ACMG/AMP criteria applied, as specified by the ClinGen VWD VCEP: PP4_Moderate, PS4_VeryStrong, PP1_Moderate, PM2_Supporting, PS3_Supporting. (ClinGen von Willebrand Disease Expert Panel Specifications to the ACMG/AMP Variant Interpretation Guidelines for VWF Version 1.0.0)

CeGaT Center for Human Genetics Tuebingen
Classification: Pathogenic. Last evaluated: 2025-11-01. Review status: criteria provided, single submitter. Criteria: CeGaT Center For Human Genetics Tuebingen Variant Classification Criteria Version 2. Collection method: clinical testing. Allele origin: germline. Affected: yes. Observed: 1 variant allele. Not counted in ClinVar's aggregate classification.
Comment: VWF: PS4, PM1, PM2, PP1, PP4, PS3:Supporting

Mayo Clinic Laboratories, Mayo Clinic
Classification: Pathogenic. Last evaluated: 2025-05-23. Review status: criteria provided, single submitter. Criteria: ACMG Guidelines, 2015. Collection method: clinical testing. Allele origin: germline. Observed: 1 variant allele. Not counted in ClinVar's aggregate classification.
Comment: PP1, PM2_supporting, PS3_supporting, PS4_very_strong

ARUP Laboratories, Molecular Genetics and Genomics, ARUP Laboratories
Classification: Pathogenic. Last evaluated: 2024-07-25. Review status: criteria provided, single submitter. Criteria: ARUP Molecular Germline Variant Investigation Process 2024. Collection method: clinical testing. Allele origin: germline. Not counted in ClinVar's aggregate classification.
Comment: The VWF c.4825G>A; p.Gly1609Arg variant (rs61750580), also known as Gly846Arg in the mature protein, is reported in the literature in several individuals affected with type 2A Von Willebrand disease (Borras 2017, Choi 2012, Hassenpflug 2006, Inbal 1993, Melo-Nava 2007, Sadler 2021, Veyradier 2016) and segregates with disease in at least one family (Choi 2012). This variant is also reported in ClinVar (Variation ID: 100395) and is only observed on one allele in the Genome Aggregation Database, indicating it is not a common polymorphism. The glycine at codon 1609 is moderately conserved, and computational analyses are uncertain whether this variant is neutral or deleterious (REVEL: 0.469). However, in vitro functional analyses demonstrate an increased susceptibility to ADAMTS13 cleavage (Hassenpflug 2006) and decreased high molecular weight multimers in patients (Borras 2017). Based on available information, this variant is considered to be pathogenic. References: Borras N et al. Molecular and clinical profile of von Willebrand disease in Spain (PCM-EVW-ES): comprehensive genetic analysis by next-generation sequencing of 480 patients. Haematologica. 2017 Dec;102(12):2005-2014. PMID: 28971901. Choi SJ et al. A Gly1609Arg missense mutation in the vWF gene in a Korean patient with von Willebrand disease type 2A. Ann Clin Lab Sci. 2012 Winter;42(1):98-102. PMID: 22371917. Hassenpflug WA et al. Impact of mutations in the von Willebrand factor A2 domain on ADAMTS13-dependent proteolysis. Blood. 2006 Mar 15;107(6):2339-45. PMID: 16322474. Inbal A et al. Identification of three candidate mutations causing type IIA von Willebrand disease using a rapid, nonradioactive, allele-specific hybridization method. Blood. 1993 Aug 1;82(3):830-6. PMID: 8338947. Melo-Nava BM et al. Molecular study of VWF gene from Mexican Mestizo patients with von Willebrand disease, and the finding of three new mutations. Blood Cells Mol Dis. 2007 Nov-Dec;39(3):361-5. PMID: 17681836. Sadler B et al. von Willebrand factor antigen levels are associated with burden of rare nonsynonymous variants in the VWF gene. Blood. 2021 Jun 10;137(23):3277-3283. PMID: 33556167. Veyradier A et al. A Laboratory Phenotype/Genotype Correlation of 1167 French Patients From 670 Families With von Willebrand Disease: A New Epidemiologic Picture. Medicine (Baltimore). 2016 Mar;95(11):e3038. PMID: 26986123.

Women's Health and Genetics/Laboratory Corporation of America, LabCorp
Classification: Pathogenic for von Willebrand disorder. Last evaluated: 2023-09-12. Review status: criteria provided, single submitter. Criteria: LabCorp Variant Classification Summary - May 2015. Collection method: clinical testing. Allele origin: germline. Not counted in ClinVar's aggregate classification.
Comment: Variant summary: VWF c.4825G>A (p.Gly1609Arg) results in a non-conservative amino acid change located in the von Willebrand factor, type A domain (IPR002035) of the encoded protein sequence. Three of five in-silico tools predict a damaging effect of the variant on protein function. The variant allele was found at a frequency of 4e-06 in 251200 control chromosomes. c.4825G>A has been reported in the literature in multiple individuals affected with Von Willebrand Disease (e.g. Donner_1993, Choi_2012, Sadler_2021). These data indicate that the variant is very likely to be associated with disease. At least one publication reports experimental evidence evaluating an impact on protein function, finding that it resulted in substantially increased ADAMTS13-dependent proteolysis of VWF (Hassenpflug_2006). The following publications have been ascertained in the context of this evaluation (PMID: 16322474, 22371917, 8348943, 33556167). Two submitters have cited clinical-significance assessments for this variant to ClinVar after 2014. One submitter classified the variant as likely pathogenic, and one classified it as uncertain significance. Based on the evidence outlined above, the variant was classified as pathogenic.

GeneDx
Classification: Uncertain significance. Last evaluated: 2019-04-22. Review status: criteria provided, single submitter. Criteria: GeneDx Variant Classification Process June 2021. Collection method: clinical testing. Allele origin: germline. Affected: yes. Not counted in ClinVar's aggregate classification.
Comment: Identified as heterozgyous in multiple individuals, including a family with multiple affected individuals, with von Willebrand disease type 2A in the literature (Donner et al., 1993; Choi et al., 2012); Published functional studies demonstrate a damaging effect resulting in increased proteolysis (Hassenpflug et al., 2006); This variant is associated with the following publications: (PMID: 8348943, 16322474, 22371917)

Angelo Bianchi Bonomi Hemophilia and Thrombosis Center, Fondazione IRCCS Ca Granda Ospedale Maggiore Policlinico
Classification: Likely pathogenic for von Willebrand disease type 2. Last evaluated: 2022-04-26. Review status: no assertion criteria provided. Collection method: clinical testing. Allele origin: germline. Affected: yes. Not counted in ClinVar's aggregate classification.

Academic Unit of Haematology, University of Sheffield
No classification provided. Review status: no classification provided. Collection method: not provided. Allele origin: not provided. Not counted in ClinVar's aggregate classification.

Literature cited by the submitters: PubMed 16322474 (cited by Mayo Clinic Laboratories, Mayo Clinic and Women's Health and Genetics/Laboratory Corporation of America, LabCorp); PubMed 22371917 (cited by Mayo Clinic Laboratories, Mayo Clinic and Women's Health and Genetics/Laboratory Corporation of America, LabCorp); PubMed 28971901 (cited by Mayo Clinic Laboratories, Mayo Clinic); PubMed 31939074 (cited by Mayo Clinic Laboratories, Mayo Clinic); PubMed 33556167 (cited by Mayo Clinic Laboratories, Mayo Clinic and Women's Health and Genetics/Laboratory Corporation of America, LabCorp); PubMed 35505650 (cited by Mayo Clinic Laboratories, Mayo Clinic); PubMed 8348943 (cited by Mayo Clinic Laboratories, Mayo Clinic and Women's Health and Genetics/Laboratory Corporation of America, LabCorp).